The following is an entry in ClinVar:

NM_000548.5(TSC2):c.2881C>G (p.Pro961Ala)

Gene: TSC2 (TSC complex subunit 2; plus strand). Cytogenetic location: 16p13.3.
Variant type: single nucleotide variant.
Coding change: c.2881C>G on transcript NM_000548.5 (MANE Select); coding-DNA position 2881, C replaced by G.
Protein change: p.Pro961Ala; replaces proline 961 with alanine.
Molecular consequence: missense variant. On other transcripts: intron variant (31).
Genome position (GRCh38, 1-based): chr16:2,077,641, C>G. VCF-style: chr16-2077641-C-G. GRCh37 (hg19) VCF-style: chr16-2127642-C-G.
Other names: c.2881C>G, p.Pro961Ala (NM_001114382.3, NM_001406663.1, NM_001406664.1); c.2770C>G, p.Pro924Ala (NM_001406670.1); c.2734C>G, p.Pro912Ala (NM_001406675.1, NM_001406676.1); c.2281C>G, p.Pro761Ala (NM_001406680.1, NM_001406682.1, NM_001406683.1 and 1 more transcripts); c.1537C>G, p.Pro513Ala (NM_001406689.1); c.1493+1056C>G (NM_001406693.1, NM_001406690.1, NM_001406692.1 and 5 more transcripts); c.2927+1056C>G (NM_001406667.1, NM_001406668.1); c.2237+1056C>G (NM_001406687.1, NM_001406685.1, NM_001318831.2 and 2 more transcripts); and 8 more; short protein forms P513A, P912A, P761A, P924A, P961A.
Identifiers: ClinVar variation 2816373 (VCV002816373.3), dbSNP rs2089584361, ClinGen allele CA394281013.
Genomic context (GRCh38, chr16:2,077,641, plus strand): 5'-CCTTCCTCACCCGATAGTCTGAGGATAGCCAGACCCCCCAAACAAGGCTTGAATAACTCT[C>G]CACCCGTGAAAGAATTCAAGGAGAGCTCTGCAGCCGAGGCCTTCCGGTGCCGCAGCATCA-3'
Protein context (NP_000539.2, residues 951-971): RPPKQGLNNS[Pro961Ala]PVKEFKESSA

ClinVar aggregate classification (germline): Uncertain significance (1 of 4 stars; one submission).

Conditions:
Tuberous sclerosis 2 (TSC2). Identifiers: Orphanet 805, MedGen C1860707, MONDO:0013199, OMIM 613254.

Submission:

Labcorp Genetics (formerly Invitae), Labcorp
Classification: Uncertain significance for Tuberous sclerosis 2. Last evaluated: 2022-11-24. Review status: criteria provided, single submitter. Criteria: Invitae Variant Classification Sherloc (09022015). Collection method: clinical testing. Allele origin: germline.
Comment: In summary, the available evidence is currently insufficient to determine the role of this variant in disease. Therefore, it has been classified as a Variant of Uncertain Significance. Advanced modeling of protein sequence and biophysical properties (such as structural, functional, and spatial information, amino acid conservation, physicochemical variation, residue mobility, and thermodynamic stability) performed at Invitae indicates that this missense variant is not expected to disrupt TSC2 protein function. This variant has not been reported in the literature in individuals affected with TSC2-related conditions. This variant is not present in population databases (gnomAD no frequency). This sequence change replaces proline, which is neutral and non-polar, with alanine, which is neutral and non-polar, at codon 961 of the TSC2 protein (p.Pro961Ala).